The following is an entry in ClinVar:

NM_001166108.2(PALLD):c.2999C>G (p.Thr1000Arg)

Genes: CBR4 (carbonyl reductase 4; minus strand), PALLD (palladin, cytoskeletal associated protein; plus strand). Cytogenetic location: 4q32.3.
Variant type: single nucleotide variant.
Coding change: c.2999C>G on transcript NM_001166108.2 (MANE Select); coding-DNA position 2999, C replaced by G.
Protein change: p.Thr1000Arg; replaces threonine 1000 with arginine.
Molecular consequence: missense variant.
Genome position (GRCh38, 1-based): chr4:168,921,682, C>G. VCF-style: chr4-168921682-C-G. GRCh37 (hg19) VCF-style: chr4-169842833-C-G.
Other names: c.1802C>G, p.Thr601Arg (NM_001166109.2); c.1487C>G, p.Thr496Arg (NM_001166110.2); c.827C>G, p.Thr276Arg (NM_001367567.1, NM_001367569.1); c.878C>G, p.Thr293Arg (NM_001367568.1, NM_001367570.1); c.2948C>G, p.Thr983Arg (NM_016081.4); short protein forms T496R, T983R, T1000R, T276R, T293R, T601R.
Identifiers: ClinVar variation 1797988 (VCV001797988.2), dbSNP rs201412478, ClinGen allele CA358709459.

ClinVar aggregate classification (germline): Uncertain significance (1 of 4 stars; one submission).

gnomAD v4.1: 1 of 1,611,620 alleles (0.000062%); highest among the groups gnomAD compares: African/African-American, 0.0013%; no homozygotes.

Submission:

Ambry Genetics
Classification: Uncertain significance. Last evaluated: 2022-08-13. Review status: criteria provided, single submitter. Criteria: Ambry Variant Classification Scheme 2023. Collection method: clinical testing. Allele origin: germline.
Comment: The p.T983R variant (also known as c.2948C>G), located in coding exon 16 of the PALLD gene, results from a C to G substitution at nucleotide position 2948. The threonine at codon 983 is replaced by arginine, an amino acid with similar properties. This amino acid position is conserved. In addition, this alteration is predicted to be deleterious by in silico analysis. Since supporting evidence is limited at this time, the clinical significance of this alteration remains unclear.